The following is an entry in ClinVar:

ClinVar aggregate classification (germline): Uncertain significance. Review status: criteria provided, multiple submitters, no conflicts (2 of 4 stars). 6 submissions from 6 submitters: Uncertain significance (6). Last evaluated 2026-02-19.

Conditions:
Inborn genetic diseases. Identifiers: MedGen C0950123, MeSH D030342.
RYR1-related myopathy. Identifiers: Orphanet 98742, MedGen CN305348, MONDO:0100150.
RYR1-related disorder. Also called: RYR1-related condition; RYR1-related disorders. Identifiers: MedGen CN239331.

Allele frequency attached by ClinVar (database versions not stated): gnomAD exomes below 0.00001; TOPMed 0.00006.
gnomAD v4.1: 7 of 989,278 alleles (0.00071%); highest among the groups gnomAD compares: African/African-American, 0.0088%; no homozygotes.

Submissions (6):

GeneDx
Classification: Uncertain significance. Last evaluated: 2026-02-19. Review status: criteria provided, single submitter. Criteria: GeneDx Variant Classification Process June 2021. Collection method: clinical testing. Allele origin: germline.
Comment: Not observed at significant frequency in large population cohorts (gnomAD); In silico analysis suggests that this missense variant does not alter protein structure/function; Has not been previously published as pathogenic or benign to our knowledge

Dasa
Classification: Uncertain significance for RYR1-related myopathy. Last evaluated: 2025-12-31. Review status: criteria provided, single submitter. Criteria: DASA Assertion Criteria. Collection method: clinical testing. Allele origin: germline.
Comment: NM_000540.3(RYR1):c.12907C>G (p.Arg4303Gly) is a missense variant that results in the substitution of arginine with glycine. This classification is supported by population frequency inconsistent with a disease-causing role. The currently available literature and clinical evidence are not sufficient to establish a definitive association between this variant and the reported condition. Therefore, this variant is classified as a variant of uncertain significance.

Ambry Genetics
Classification: Uncertain significance for Inborn genetic diseases. Last evaluated: 2023-12-20. Review status: criteria provided, single submitter. Criteria: Ambry Variant Classification Scheme 2023. Collection method: clinical testing. Allele origin: germline.

PreventionGenetics, part of Exact Sciences
Classification: Uncertain significance for RYR1-related condition. Last evaluated: 2023-06-21. Review status: criteria provided, single submitter. Criteria: ACMG Guidelines, 2015. Collection method: clinical testing. Allele origin: germline.
Comment: The RYR1 c.12907C>G variant is predicted to result in the amino acid substitution p.Arg4303Gly. To our knowledge, this variant has not been reported in the literature or in a large population database; however, due to low coverage in gnomAD, the frequency data is considered unreliable. At this time, the clinical significance of this variant is uncertain due to the absence of conclusive functional and genetic evidence.

Revvity Omics, Revvity
Classification: Uncertain significance. Last evaluated: 2023-01-26. Review status: criteria provided, single submitter. Criteria: ACMG Guidelines, 2015. Collection method: clinical testing. Allele origin: germline.

Labcorp Genetics (formerly Invitae), Labcorp
Classification: Uncertain significance for RYR1-related disorder. Last evaluated: 2022-06-04. Review status: criteria provided, single submitter. Criteria: Invitae Variant Classification Sherloc (09022015). Collection method: clinical testing. Allele origin: germline.
Comment: This sequence change replaces arginine, which is basic and polar, with glycine, which is neutral and non-polar, at codon 4303 of the RYR1 protein (p.Arg4303Gly). The frequency data for this variant in the population databases is considered unreliable, as metrics indicate insufficient coverage at this position in the gnomAD database. This variant has not been reported in the literature in individuals affected with RYR1-related conditions. ClinVar contains an entry for this variant (Variation ID: 571514). Advanced modeling of protein sequence and biophysical properties (such as structural, functional, and spatial information, amino acid conservation, physicochemical variation, residue mobility, and thermodynamic stability) performed at Invitae indicates that this missense variant is not expected to disrupt RYR1 protein function. In summary, the available evidence is currently insufficient to determine the role of this variant in disease. Therefore, it has been classified as a Variant of Uncertain Significance.

NM_000540.3(RYR1):c.12907C>G (p.Arg4303Gly)

Gene: RYR1 (ryanodine receptor 1; plus strand). Cytogenetic location: 19q13.2.
Variant type: single nucleotide variant.
Coding change: c.12907C>G on transcript NM_000540.3 (MANE Select); coding-DNA position 12907, C replaced by G.
Protein change: p.Arg4303Gly; replaces arginine 4303 with glycine.
Molecular consequence: missense variant.
Genome position (GRCh38, 1-based): chr19:38,565,241, C>G. VCF-style: chr19-38565241-C-G. GRCh37 (hg19) VCF-style: chr19-39055881-C-G.
Other names: c.12892C>G, p.Arg4298Gly (NM_001042723.2); short protein forms R4303G, R4298G.
Identifiers: ClinVar variation 571514 (VCV000571514.13), dbSNP rs1027792397, ClinGen allele CA308109361.